The following is an entry in ClinVar:

ClinVar aggregate classification (germline): Pathogenic (1 of 4 stars; one submission).

Conditions:
Primary ciliary dyskinesia. Also called: Ciliary dyskinesia. Identifiers: Orphanet 244, MedGen C0008780, MONDO:0016575, HP:0012265.

Submission:

Labcorp Genetics (formerly Invitae), Labcorp
Classification: Pathogenic for Primary ciliary dyskinesia. Last evaluated: 2023-11-17. Review status: criteria provided, single submitter. Criteria: Invitae Variant Classification Sherloc (09022015). Collection method: clinical testing. Allele origin: unknown.
Comment: This variant is a gross deletion of the genomic region encompassing exon(s) 7-45 of the DNAH11 gene. This variant would be expected to be in-frame, preserving the integrity of the reading frame. This variant has not been reported in the literature in individuals affected with DNAH11-related conditions. This variant disrupts a region of the DNAH11 protein in which other variant(s) (p.Leu1157Arg) have been determined to be pathogenic (PMID: 31040315, 32502479). This suggests that this is a clinically significant region of the protein, and that variants that disrupt it are likely to be disease-causing. For these reasons, this variant has been classified as Pathogenic.

Literature cited by the submitters: PubMed 31040315; PubMed 32502479.

NC_000007.13:g.(?_21609667)_(21765622_?)del

Gene: DNAH11 (dynein axonemal heavy chain 11; plus strand). Cytogenetic location: 7p15.3.
Variant type: Deletion.
Identifiers: ClinVar variation 3245638 (VCV003245638.1).